The following is an entry in ClinVar:

NM_001040716.2(PC):c.300_301insCCGCGGCC (p.Asp101fs)

Gene: PC (pyruvate carboxylase; minus strand). Cytogenetic location: 11q13.2.
Variant type: Insertion.
Coding change: c.300_301insCCGCGGCC on transcript NM_001040716.2 (MANE Select); coding-DNA positions 300 to 301, CCGCGGCC inserted.
Protein change: p.Asp101fs; shifts the reading frame from aspartic acid 101.
Molecular consequence: frameshift variant.
Genome position: GRCh38 VCF-style: chr11-66871707-C-CGGCCGCGG. GRCh37 (hg19) VCF-style: chr11-66639178-C-CGGCCGCGG.
Other names: c.300_301insCCGCGGCC, p.Asp101fs (NM_000920.4, NM_001439352.1, NM_001439353.1 and 5 more transcripts); short protein forms D101fs.
Identifiers: ClinVar variation 5012552 (VCV005012552.1).
Genomic context (GRCh38, chr11:66,871,707, plus strand): 5'-GGTCCCTGCTGTCCAGGCCCAGCCAGGCCACTGGGCTCACCTTGGCCACCTTGATGATGT[C>CGGCCGCGG]TGGGATGTGCAGGTAGGCCTGCACGGGGGCCAGGCCGCGGCCGATGAGATAGGCTTCATC-3'

ClinVar aggregate classification (germline): Pathogenic (1 of 4 stars; one submission).

Conditions:
Pyruvate carboxylase deficiency. Also called: ATAXIA WITH LACTIC ACIDOSIS II; LEIGH NECROTIZING ENCEPHALOPATHY DUE TO PYRUVATE CARBOXYLASE DEFICIENCY; LEIGH SYNDROME DUE TO PYRUVATE CARBOXYLASE DEFICIENCY; PC DEFICIENCY; Pyruvate Carboxylase Deficiency Disease. Identifiers: Orphanet 3008, MedGen C0034341, MONDO:0009949, OMIM 266150.

Submission:

Myriad Genetics, Inc.
Classification: Pathogenic for Pyruvate carboxylase deficiency. Last evaluated: 2023-12-08. Review status: criteria provided, single submitter. Criteria: Myriad Autosomal Dominant, Autosomal Recessive and X-Linked Classification Criteria (2023). Collection method: clinical testing. Allele origin: unknown.
Comment: NM_000920.3(PC):c.300_301ins8(D101Pfs*14) is expected to be pathogenic in the context of pyruvate carboxylase deficiency. This variant is predicted to lead to an abnormal or absent protein product due to the creation of a premature termination codon in PC, a gene where loss-of-function variants are known to be pathogenic. Please note: this variant was assessed in the context of healthy population screening.